The following is an entry in ClinVar:

NM_025114.4(CEP290):c.1072C>T (p.Gln358Ter)

Gene: CEP290 (centrosomal protein 290; minus strand). Cytogenetic location: 12q21.32.
Variant type: single nucleotide variant.
Coding change: c.1072C>T on transcript NM_025114.4 (MANE Select); coding-DNA position 1072, C replaced by T.
Protein change: p.Gln358Ter; replaces glutamine 358 with a stop codon.
Molecular consequence: nonsense.
Genome position (GRCh38, 1-based): chr12:88,125,363, G>A on the plus strand (C>T on the coding strand, the complement: CEP290 is on the minus strand). VCF-style: chr12-88125363-G-A. GRCh37 (hg19) VCF-style: chr12-88519140-G-A.
Other names: short protein forms Q358*.
Identifiers: ClinVar variation 639079 (VCV000639079.7), dbSNP rs1592656929, ClinGen allele CA385981555.

ClinVar aggregate classification (germline): Pathogenic (1 of 4 stars; one submission).

Conditions:
Meckel-Gruber syndrome. Also called: Dysencephalia splachnocystica; DYSENCEPHALIA SPLANCHNOCYSTICA; GRUBER SYNDROME. Identifiers: Orphanet 564, MedGen C0265215, MONDO:0018921.
Nephronophthisis. Also called: Juvenile Nephronophthisis. Identifiers: Orphanet 655, MedGen C0687120, MONDO:0019005, HP:0000090.
Joubert syndrome. Also called: Familial aplasia of the vermis; CEREBELLOPARENCHYMAL DISORDER IV; JOUBERT-BOLTSHAUSER SYNDROME. Identifiers: Orphanet 475, MedGen C5979921, MONDO:0018772.

Allele frequency attached by ClinVar (database versions not stated): gnomAD exomes below 0.00001; gnomAD 0.00001.
gnomAD v4.1: 3 of 1,290,904 alleles (0.00023%); highest among the groups gnomAD compares: Non-Finnish European, 0.0002%; no homozygotes.

Submission:

Labcorp Genetics (formerly Invitae), Labcorp
Classification: Pathogenic for Joubert syndrome; Meckel-Gruber syndrome; Nephronophthisis. Last evaluated: 2025-06-15. Review status: criteria provided, single submitter. Criteria: Invitae Variant Classification Sherloc (09022015). Collection method: clinical testing. Allele origin: germline.
Comment: This sequence change creates a premature translational stop signal (p.Gln358*) in the CEP290 gene. It is expected to result in an absent or disrupted protein product. Loss-of-function variants in CEP290 are known to be pathogenic (PMID: 16909394, 17345604, 20690115). This variant is not present in population databases (gnomAD no frequency). This variant has not been reported in the literature in individuals affected with CEP290-related conditions. ClinVar contains an entry for this variant (Variation ID: 639079). For these reasons, this variant has been classified as Pathogenic.

Literature cited by the submitters: PubMed 16909394; PubMed 17345604; PubMed 20690115.